The following is an entry in ClinVar:

ClinVar aggregate classification (germline): Uncertain significance (0 of 4 stars; one submission).

Conditions:
ADGRG4-related disorder. Also called: ADGRG4-related condition.

Submission:

PreventionGenetics, part of Exact Sciences
Classification: Uncertain significance for ADGRG4-related condition. Last evaluated: 2024-01-17. Review status: no assertion criteria provided. Collection method: clinical testing. Allele origin: germline.
Comment: The ADGRG4 c.4256C>T variant is predicted to result in the amino acid substitution p.Thr1419Ile. To our knowledge, this variant has not been reported in the literature or in a large population database, indicating this variant is rare. At this time, the clinical significance of this variant is uncertain due to the absence of conclusive functional and genetic evidence.

NM_153834.4(ADGRG4):c.4256C>T (p.Thr1419Ile)

Gene: ADGRG4 (adhesion G protein-coupled receptor G4; plus strand). Cytogenetic location: Xq26.3.
Variant type: single nucleotide variant.
Coding change: c.4256C>T on transcript NM_153834.4 (MANE Select); coding-DNA position 4256, C replaced by T.
Protein change: p.Thr1419Ile; replaces threonine 1419 with isoleucine.
Molecular consequence: missense variant.
Genome position (GRCh38, 1-based): chrX:136,347,962, C>T. VCF-style: chrX-136347962-C-T. GRCh37 (hg19) VCF-style: chrX-135430121-C-T.
Other names: short protein forms T1419I.
Identifiers: ClinVar variation 3030359 (VCV003030359.2), dbSNP rs2521704499, ClinGen allele CA414638964.